The following is an entry in ClinVar:

ClinVar aggregate classification (germline): Uncertain significance. Review status: criteria provided, multiple submitters, no conflicts (2 of 4 stars). 3 submissions from 3 submitters: Uncertain significance (3). Last evaluated 2024-02-24.

Conditions:
Inborn genetic diseases. Identifiers: MedGen C0950123, MeSH D030342.
LAMA2-related muscular dystrophy (LAMA2-RD). Also called: Laminin alpha 2-related dystrophy. Identifiers: MedGen C5679788, MONDO:0100228.

Allele frequency attached by ClinVar (database versions not stated): gnomAD 0.00001; TOPMed 0.00001; gnomAD exomes 0.00002 and 0.00003; ExAC 0.00004; 1000 Genomes Project 30x 0.00016; 1000 Genomes Project 0.00020.
gnomAD v4.1: 50 of 1,613,998 alleles (0.0031%); highest among the groups gnomAD compares: African/African-American, 0.0067%; no homozygotes.

Submissions (3):

Labcorp Genetics (formerly Invitae), Labcorp
Classification: Uncertain significance for LAMA2-related muscular dystrophy. Last evaluated: 2024-02-24. Review status: criteria provided, single submitter. Criteria: Invitae Variant Classification Sherloc (09022015). Collection method: clinical testing. Allele origin: germline.
Comment: This sequence change replaces arginine, which is basic and polar, with glutamine, which is neutral and polar, at codon 1773 of the LAMA2 protein (p.Arg1773Gln). This variant is present in population databases (rs573287715, gnomAD 0.02%). This variant has not been reported in the literature in individuals affected with LAMA2-related conditions. ClinVar contains an entry for this variant (Variation ID: 1343885). Advanced modeling of protein sequence and biophysical properties (such as structural, functional, and spatial information, amino acid conservation, physicochemical variation, residue mobility, and thermodynamic stability) performed at Invitae indicates that this missense variant is not expected to disrupt LAMA2 protein function with a negative predictive value of 95%. In summary, the available evidence is currently insufficient to determine the role of this variant in disease. Therefore, it has been classified as a Variant of Uncertain Significance.

GeneDx
Classification: Uncertain significance. Last evaluated: 2022-03-14. Review status: criteria provided, single submitter. Criteria: GeneDx Variant Classification Process June 2021. Collection method: clinical testing. Allele origin: germline. Affected: yes.
Comment: In silico analysis supports that this missense variant does not alter protein structure/function; Has not been previously published as pathogenic or benign to our knowledge

Ambry Genetics
Classification: Uncertain significance for Inborn genetic diseases. Last evaluated: 2021-12-06. Review status: criteria provided, single submitter. Criteria: Ambry Variant Classification Scheme 2023. Collection method: clinical testing. Allele origin: germline.

NM_000426.4(LAMA2):c.5318G>A (p.Arg1773Gln)

Gene: LAMA2 (laminin subunit alpha 2; plus strand). Cytogenetic location: 6q22.33.
Variant type: single nucleotide variant.
Coding change: c.5318G>A on transcript NM_000426.4 (MANE Select); coding-DNA position 5318, G replaced by A.
Protein change: p.Arg1773Gln; replaces arginine 1773 with glutamine.
Molecular consequence: missense variant.
Genome position (GRCh38, 1-based): chr6:129,393,128, G>A. VCF-style: chr6-129393128-G-A. GRCh37 (hg19) VCF-style: chr6-129714273-G-A.
Other names: c.5318G>A, p.Arg1773Gln (NM_001079823.2); short protein forms R1773Q.
Identifiers: ClinVar variation 1343885 (VCV001343885.6), dbSNP rs573287715, ClinGen allele CA3993846.
Genomic context (GRCh38, chr6:129,393,128, plus strand): 5'-AAGTGAAGAAGCTGTTTGGAGAGTCCCGGGGGGAAAATGAAGAAATGGAGAAGGATCTCC[G>A]GGAAAAACTGGCTGACTACAAAAACAAAGTTGATGATGCTTGGGACCTTTTGAGAGAAGC-3'
Protein context (NP_000417.3, residues 1763-1783): GENEEMEKDL[Arg1773Gln]EKLADYKNKV